The following is an entry in ClinVar:

ClinVar aggregate classification (germline): Pathogenic/Likely pathogenic. Review status: criteria provided, multiple submitters, no conflicts (2 of 4 stars). 5 submissions from 5 submitters: Pathogenic (4); Likely pathogenic (1). Last evaluated 2025-06-13.

Conditions:
Hereditary cancer-predisposing syndrome. Also called: Neoplastic Syndromes, Hereditary; Hereditary Cancer Syndrome; Tumor predisposition; Hereditary neoplastic syndrome. Identifiers: Orphanet 140162, MedGen C0027672, MeSH D009386, MONDO:0015356.
Familial cancer of breast. Also called: hereditary breast carcinoma; Hereditary breast cancer; BREAST CANCER, FAMILIAL. Identifiers: Orphanet 227535, MedGen C0346153, MONDO:0016419, OMIM 114480. Disease mechanism: loss of function.

gnomAD v4.1: 2 of 1,613,954 alleles (0.00012%); highest among the groups gnomAD compares: Non-Finnish European, 0.00017%; no homozygotes.

Submissions (5):

Ambry Genetics
Classification: Pathogenic for Hereditary cancer-predisposing syndrome. Last evaluated: 2025-06-13. Review status: criteria provided, single submitter. Criteria: Ambry Variant Classification Scheme 2023. Collection method: clinical testing. Allele origin: germline.
Comment: The p.Q100* pathogenic mutation (also known as c.298C>T), located in coding exon 1 of the CHEK2 gene, results from a C to T substitution at nucleotide position 298. This changes the amino acid from a glutamine to a stop codon within coding exon 1. This variant is considered to be rare based on population cohorts in the Genome Aggregation Database (gnomAD). This alteration is expected to result in loss of function by premature protein truncation or nonsense-mediated mRNA decay. As such, this alteration is interpreted as a disease-causing mutation.

Labcorp Genetics (formerly Invitae), Labcorp
Classification: Pathogenic for Familial cancer of breast. Last evaluated: 2025-03-01. Review status: criteria provided, single submitter. Criteria: Invitae Variant Classification Sherloc (09022015). Collection method: clinical testing. Allele origin: germline.
Comment: This sequence change creates a premature translational stop signal (p.Gln100*) in the CHEK2 gene. It is expected to result in an absent or disrupted protein product. Loss-of-function variants in CHEK2 are known to be pathogenic (PMID: 21876083, 24713400). This variant is not present in population databases (gnomAD no frequency). This premature translational stop signal has been observed in individual(s) with a personal or family history of breast and/or ovarian cancer (PMID: 29752822). ClinVar contains an entry for this variant (Variation ID: 971464). For these reasons, this variant has been classified as Pathogenic.

Myriad Genetics, Inc.
Classification: Pathogenic for Familial cancer of breast. Last evaluated: 2023-06-23. Review status: criteria provided, single submitter. Criteria: Myriad Autosomal Dominant, Autosomal Recessive and X-Linked Classification Criteria (2023). Collection method: clinical testing. Allele origin: unknown.
Comment: This variant is considered pathogenic. This variant creates a termination codon and is predicted to result in premature protein truncation.

Baylor Genetics
Classification: Pathogenic for Familial cancer of breast. Last evaluated: 2023-04-16. Review status: criteria provided, single submitter. Criteria: ACMG Guidelines, 2015. Collection method: clinical testing. Allele origin: unknown.

GeneDx
Classification: Likely pathogenic. Last evaluated: 2023-04-05. Review status: criteria provided, single submitter. Criteria: GeneDx Variant Classification Process June 2021. Collection method: clinical testing. Allele origin: germline. Affected: yes.
Comment: Nonsense variant predicted to result in protein truncation or nonsense mediated decay in a gene for which loss of function is a known mechanism of disease; Not observed at significant frequency in large population cohorts (gnomAD); Identified in individual(s) with breast cancer (Li et al., 2019); This variant is associated with the following publications: (PMID: 24713400, 21876083, 29752822, 34308104)

Literature cited by the submitters: PubMed 21876083 (cited by Labcorp Genetics (formerly Invitae), Labcorp); PubMed 24713400 (cited by Labcorp Genetics (formerly Invitae), Labcorp); PubMed 29752822 (cited by Labcorp Genetics (formerly Invitae), Labcorp).

NM_007194.4(CHEK2):c.298C>T (p.Gln100Ter)

Gene: CHEK2 (checkpoint kinase 2; minus strand). Cytogenetic location: 22q12.1.
Variant type: single nucleotide variant.
Coding change: c.298C>T on transcript NM_007194.4 (MANE Select); coding-DNA position 298, C replaced by T.
Protein change: p.Gln100Ter; replaces glutamine 100 with a stop codon.
Molecular consequence: nonsense.
Genome position (GRCh38, 1-based): chr22:28,734,424, G>A on the plus strand (C>T on the coding strand, the complement: CHEK2 is on the minus strand). VCF-style: chr22-28734424-G-A. GRCh37 (hg19) VCF-style: chr22-29130412-G-A.
Other names: c.298C>T, p.Gln100Ter (NM_001005735.3, NM_001349956.3, NM_145862.3); c.-480C>T (NM_001257387.3); short protein forms Q100*.
Identifiers: ClinVar variation 971464 (VCV000971464.15), dbSNP rs2054311767, ClinGen allele CA411090282.
Genomic context (GRCh38, chr22:28,734,424, plus strand): 5'-TCTGAACAAAACGTGATACTATACAACAAAGGGTCTTACCAAGATTGGCAAATCCATCCT[G>A]AAGGGCCCATAATCGAGCCCAGGGGGCAGGGGTAGGCTCCTCAGGTTCTTGGTCCTCAGG-3'